The following is an entry in ClinVar:

ClinVar aggregate classification (germline): Benign (1 of 4 stars; one submission).

Allele frequency attached by ClinVar (database versions not stated): 1000 Genomes Project 30x 0.99984; gnomAD 0.99997; 1000 Genomes Project 1.00000.
gnomAD v4.1: 152,002 of 152,006 alleles (100%); highest among the groups gnomAD compares: Middle Eastern, 100%; 75,999 homozygotes.

Submission:

GeneDx
Classification: Benign. Last evaluated: 2018-06-14. Review status: criteria provided, single submitter. Criteria: GeneDx Variant Classification (06012015). Collection method: clinical testing. Allele origin: germline. Affected: yes.
Comment: This variant is considered likely benign or benign based on one or more of the following criteria: it is a conservative change, it occurs at a poorly conserved position in the protein, it is predicted to be benign by multiple in silico algorithms, and/or has population frequency not consistent with disease.

NM_032578.4(MYPN):c.3494-218T>G

Gene: MYPN (myopalladin; plus strand). Cytogenetic location: 10q21.3.
Variant type: single nucleotide variant.
Coding change: c.3494-218T>G on transcript NM_032578.4 (MANE Select); 218 bases into the intron before coding-DNA position 3494, T replaced by G.
Molecular consequence: intron variant.
Genome position (GRCh38, 1-based): chr10:68,201,611, T>G. VCF-style: chr10-68201611-T-G. GRCh37 (hg19) VCF-style: chr10-69961368-T-G.
Other names: c.3494-218T>G (NM_001256267.2); c.2612-218T>G (NM_001256268.2).
Identifiers: ClinVar variation 672874 (VCV000672874.1), dbSNP rs2440844, ClinGen allele CA13354051.